The following is an entry in ClinVar:

NM_005904.4(SMAD7):c.1173G>C (p.Thr391=)

Gene: SMAD7 (SMAD family member 7; minus strand). Cytogenetic location: 18q21.1.
Variant type: single nucleotide variant.
Coding change: c.1173G>C on transcript NM_005904.4 (MANE Select); coding-DNA position 1173, G replaced by C.
Protein change: p.Thr391=; no amino-acid change (threonine 391 retained).
Molecular consequence: synonymous variant.
Genome position (GRCh38, 1-based): chr18:48,921,480, C>G on the plus strand (G>C on the coding strand, the complement: SMAD7 is on the minus strand). VCF-style: chr18-48921480-C-G. GRCh37 (hg19) VCF-style: chr18-46447850-C-G.
Other names: c.1170G>C, p.Thr390= (NM_001190821.2); c.528G>C, p.Thr176= (NM_001190822.2); c.609G>C, p.Thr203= (NM_001190823.2).
Identifiers: ClinVar variation 4980380 (VCV004980380.1).

ClinVar aggregate classification (germline): Benign (1 of 4 stars; one submission).

Conditions:
SMAD7-related disorder. Also called: SMAD7-related condition.

gnomAD v4.1: 26,007 of 1,614,188 alleles (1.6%); highest among the groups gnomAD compares: South Asian, 1.9%; 264 homozygotes.

Submission:

PreventionGenetics, part of Exact Sciences
Classification: Benign for SMAD7-related condition. Last evaluated: 2024-10-11. Review status: criteria provided, single submitter. Criteria: ACMG Guidelines, 2015. Collection method: clinical testing. Allele origin: germline.
Comment: This variant is classified as benign based on ACMG/AMP sequence variant interpretation guidelines (Richards et al. 2015 PMID: 25741868, with internal and published modifications).